The following is an entry in ClinVar:

NM_020964.3(EPG5):c.7702_7704delinsTTC (p.Leu2568Phe)

Gene: EPG5 (ectopic P-granules 5 autophagy tethering factor; minus strand). Cytogenetic location: 18q12.3.
Variant type: Indel.
Coding change: c.7702_7704delinsTTC on transcript NM_020964.3 (MANE Select); coding-DNA positions 7702 to 7704, CTG replaced by TTC.
Protein change: p.Leu2568Phe; replaces leucine 2568 with phenylalanine.
Molecular consequence: missense variant. On other transcripts: intron variant (1).
Genome position (GRCh38, 1-based): chr18:45,852,503-45,852,505, CAG replaced by GAA on the plus strand (CTG replaced by TTC on the coding strand, the reverse complement: EPG5 is on the minus strand). VCF-style: chr18-45852503-CAG-GAA. GRCh37 (hg19) VCF-style: chr18-43432468-CAG-GAA.
Other names: c.7699_7701delinsTTC, p.Leu2567Phe (NM_001410859.1); c.7557+3068_7557+3070delinsTTC (NM_001410858.1); short protein forms L2567F, L2568F.
Identifiers: ClinVar variation 4688368 (VCV004688368.1).
Genomic context (GRCh38, chr18:45,852,503, plus strand): 5'-GTTTTTCAAGAGCCTCAGTGTTAACTATCGTATGTGGTCCAAATAATGCACTTCTGGATA[CAG>GAA]ACAGTTAACGAGAAGAGCCAAGAAGCTTTTCCCATCTTGAAGGCAATGGCCAGGATGCCT-3'
Protein context (NP_066015.2, residues 2558-2578): KSFLALLVNC[Leu2568Phe]YPEVHYLDHI

ClinVar aggregate classification (germline): Uncertain significance (1 of 4 stars; one submission).

Submission:

Women's Health and Genetics/Laboratory Corporation of America, LabCorp
Classification: Uncertain significance. Last evaluated: 2025-12-30. Review status: criteria provided, single submitter. Criteria: LabCorp Variant Classification Summary - May 2015. Collection method: clinical testing. Allele origin: germline.
Comment: Variant summary: EPG5 c.7702_7704delinsTTC (p.Leu2568Phe) results in a non-conservative amino acid change in the encoded protein sequence. Algorithms developed to predict the effect of missense changes on protein structure and function are either unavailable or do not agree on the potential impact of this missense change. The variant was absent in 249516 control chromosomes. The available data on variant occurrences in the general population are insufficient to allow any conclusion about variant significance. To our knowledge, no occurrence of c.7702_7704delinsTTC in individuals affected with EPG5-related conditions and no experimental evidence demonstrating its impact on protein function have been reported. No submitters have cited clinical-significance assessments for this variant to ClinVar. Based on the evidence outlined above, the variant was classified as uncertain significance.